The following is an entry in ClinVar:

ClinVar aggregate classification (germline): Likely pathogenic (1 of 4 stars; one submission).

Conditions:
RPGRIP1L-related disorder. Also called: RPGRIP1L-related condition; RPGRIP1L-related disorders. Identifiers: MedGen CN239416.

Submission:

PreventionGenetics, part of Exact Sciences
Classification: Likely pathogenic for RPGRIP1L-related condition. Last evaluated: 2026-08-25. Review status: criteria provided, single submitter. Criteria: ACMG Guidelines, 2015. Collection method: clinical testing. Allele origin: germline.
Comment: The RPGRIP1L c.3338C>A variant is predicted to result in premature protein termination (p.Ser1113*). To our knowledge, this variant has not been reported in the literature or in a large population database (gnomAD), indicating this variant is rare. Nonsense variants in RPGRIP1L are expected to be pathogenic. This variant is interpreted as likely pathogenic.

NM_015272.5(RPGRIP1L):c.3338C>A (p.Ser1113Ter)

Gene: RPGRIP1L (RPGRIP1 like; minus strand). Cytogenetic location: 16q12.2.
Variant type: single nucleotide variant.
Coding change: c.3338C>A on transcript NM_015272.5 (MANE Select); coding-DNA position 3338, C replaced by A.
Protein change: p.Ser1113Ter; replaces serine 1113 with a stop codon.
Molecular consequence: nonsense. On other transcripts: intron variant (2).
Genome position (GRCh38, 1-based): chr16:53,622,313, G>T on the plus strand (C>A on the coding strand, the complement: RPGRIP1L is on the minus strand). VCF-style: chr16-53622313-G-T. GRCh37 (hg19) VCF-style: chr16-53656225-G-T.
Other names: c.3236C>A, p.Ser1079Ter (NM_001330538.2); c.3193-3105C>A (NM_001127897.4); c.3295-3105C>A (NM_001308334.3); short protein forms S1079*, S1113*.
Identifiers: ClinVar variation 4995715 (VCV004995715.1).